The following is an entry in ClinVar:

NM_001174089.2(SLC4A11):c.2193G>C (p.Thr731=)

Gene: SLC4A11 (solute carrier family 4 member 11; minus strand). Cytogenetic location: 20p13.
Variant type: single nucleotide variant.
Coding change: c.2193G>C on transcript NM_001174089.2 (MANE Select); coding-DNA position 2193, G replaced by C.
Protein change: p.Thr731=; no amino-acid change (threonine 731 retained).
Molecular consequence: synonymous variant. On other transcripts: non-coding transcript variant (1).
Genome position (GRCh38, 1-based): chr20:3,228,707, C>G on the plus strand (G>C on the coding strand, the complement: SLC4A11 is on the minus strand). VCF-style: chr20-3228707-C-G. GRCh37 (hg19) VCF-style: chr20-3209353-C-G.
Other names: c.2322G>C, p.Thr774= (NM_001174090.2); c.2079G>C, p.Thr693= (NM_001363745.2); c.2241G>C, p.Thr747= (NM_032034.4).
Identifiers: ClinVar variation 338238 (VCV000338238.19), dbSNP rs149912717, ClinGen allele CA9741529.
Genomic context (GRCh38, chr20:3,228,707, plus strand): 5'-CAGGCCCACCAGGACGCTGGCGCCCAGCGAGGTCAGCCGCGTCTCCTTCACGTTCACAAT[C>G]CTGCGGTGGCCCGAGCCGCGAGTGTCACCTCTGCGCCCCTGTCCACAGGGCCTCACTCCT-3'
Protein context (NP_001167560.1, residues 721-741): ERVENGHIYD[Thr731=]IVNVKETRLT

ClinVar aggregate classification (germline): Conflicting classifications of pathogenicity. Review status: criteria provided, conflicting classifications (1 of 4 stars). 6 submissions from 6 submitters: Uncertain significance (2); Likely benign (3). 1 of the submissions does not count toward it. Last evaluated 2026-01-20.

Conditions:
Corneal dystrophy, Fuchs endothelial, 4 (FECD4). Identifiers: Orphanet 98974, MedGen C2750450, MONDO:0013204, OMIM 613268.
Corneal dystrophy-perceptive deafness syndrome (CDPD). Also called: HARBOYAN SYNDROME; CORNEAL DYSTROPHY AND SENSORINEURAL DEAFNESS. Identifiers: Orphanet 1490, MedGen C1857572, MONDO:0009015, OMIM 217400.
Congenital hereditary endothelial dystrophy of cornea. Also called: Corneal endothelial dystrophy, autosomal recessive; CORNEAL DYSTROPHY, CONGENITAL HEREDITARY ENDOTHELIAL; Congenital hereditary endothelial dystrophy of the cornea; Maumenee corneal dystrophy; Congenital hereditary endothelial dystrophy type II. Identifiers: Orphanet 293603, MedGen C1857569, MONDO:0009019, OMIM 217700.
SLC4A11-related disorder. Also called: SLC4A11-related condition.
Corneal dystrophy. Identifiers: Orphanet 34533, MedGen C0010036, MONDO:0018102, HP:0001131.

Allele frequency attached by ClinVar (database versions not stated): 1000 Genomes Project 30x 0.00062; 1000 Genomes Project 0.00080; gnomAD 0.00096 and 0.00104; TOPMed 0.00107; gnomAD exomes 0.00142; ExAC 0.00146; ESP Exome Variant Server 0.00169.
gnomAD v4.1: 2,719 of 1,612,706 alleles (0.17%); highest among the groups gnomAD compares: South Asian, 0.39%; 5 homozygotes.

Submissions (6):

Labcorp Genetics (formerly Invitae), Labcorp
Classification: Likely benign. Last evaluated: 2026-01-20. Review status: criteria provided, single submitter. Criteria: Invitae Variant Classification Sherloc (09022015). Collection method: clinical testing. Allele origin: germline.

PreventionGenetics, part of Exact Sciences
Classification: Likely benign for SLC4A11-related condition. Last evaluated: 2025-02-19. Review status: criteria provided, single submitter. Criteria: ACMG Guidelines, 2015. Collection method: clinical testing. Allele origin: germline.
Comment: This variant is classified as likely benign based on ACMG/AMP sequence variant interpretation guidelines (Richards et al. 2015 PMID: 25741868, with internal and published modifications).

Blueprint Genetics
Classification: Likely benign. Last evaluated: 2024-11-17. Review status: criteria provided, single submitter. Criteria: ACMG Guidelines, 2015. Collection method: clinical testing. Allele origin: germline.

Department of Pathology and Laboratory Medicine, Sinai Health System
Classification: Uncertain significance for Corneal dystrophy-perceptive deafness syndrome; Congenital hereditary endothelial dystrophy of cornea; Corneal dystrophy, Fuchs endothelial, 4. Last evaluated: 2023-04-05. Review status: criteria provided, single submitter. Criteria: ACMG Guidelines, 2015. Collection method: research. Allele origin: germline.

Illumina Laboratory Services, Illumina
Classification: Uncertain significance for Corneal dystrophy. Last evaluated: 2018-01-13. Review status: criteria provided, single submitter. Criteria: ICSL Variant Classification Criteria 13 December 2019. Collection method: clinical testing. Allele origin: germline.

Natera, Inc.
Classification: Benign for Harboyan syndrome. Last evaluated: 2020-06-03. Review status: no assertion criteria provided. Collection method: clinical testing. Allele origin: germline. Not counted in ClinVar's aggregate classification.